The following is an entry in ClinVar:

NM_005534.4(IFNGR2):c.94G>A (p.Ala32Thr)

Gene: IFNGR2 (interferon gamma receptor 2; plus strand). Cytogenetic location: 21q22.11.
Variant type: single nucleotide variant.
Coding change: c.94G>A on transcript NM_005534.4 (MANE Select); coding-DNA position 94, G replaced by A.
Protein change: p.Ala32Thr; replaces alanine 32 with threonine.
Molecular consequence: missense variant.
Genome position (GRCh38, 1-based): chr21:33,414,908, G>A. VCF-style: chr21-33414908-G-A. GRCh37 (hg19) VCF-style: chr21-34787215-G-A.
Other names: c.151G>A, p.Ala51Thr (NM_001329128.2); c.94G>A (NM_005534.3); short protein forms A32T, A51T.
Identifiers: ClinVar variation 1507225 (VCV001507225.6), dbSNP rs772248868, ClinGen allele CA10006861.
Genomic context (GRCh38, chr21:33,414,908, plus strand): 5'-CCTCCCTTCCTCCCTCTTCTTTTTCTCTGTCCCCCTCAAGACCCTCTTTCCCAGCTGCCC[G>A]CTCCTCAGCACCCGAAGATTCGCCTGTACAACGCAGAGCAGGTCCTGAGTTGGGAGCCAG-3'
Protein context (NP_005525.2, residues 22-42): APPDPLSQLP[Ala32Thr]PQHPKIRLYN

ClinVar aggregate classification (germline): Conflicting classifications of pathogenicity. Review status: criteria provided, conflicting classifications (1 of 4 stars). 2 submissions from 2 submitters: Uncertain significance (1); Likely benign (1). Last evaluated 2025-08-24.

Conditions:
Inborn genetic diseases. Identifiers: MedGen C0950123, MeSH D030342.
Immunodeficiency 28 (IMD28). Also called: IFNGR2 DEFICIENCY. Identifiers: Orphanet 319547, Orphanet 319574, MedGen C4013947, MONDO:0013953, OMIM 614889.

Allele frequency attached by ClinVar (database versions not stated): ExAC 0.00001; gnomAD 0.00001; gnomAD exomes 0.00001 and 0.00002; TOPMed 0.00001.

Submissions (2):

Ambry Genetics
Classification: Likely benign for Inborn genetic diseases. Last evaluated: 2025-08-24. Review status: criteria provided, single submitter. Criteria: Ambry Variant Classification Scheme 2023. Collection method: clinical testing. Allele origin: germline.

Labcorp Genetics (formerly Invitae), Labcorp
Classification: Uncertain significance for Immunodeficiency 28. Last evaluated: 2021-08-25. Review status: criteria provided, single submitter. Criteria: Invitae Variant Classification Sherloc (09022015). Collection method: clinical testing. Allele origin: germline.
Comment: This sequence change replaces alanine with threonine at codon 32 of the IFNGR2 protein (p.Ala32Thr). The alanine residue is moderately conserved and there is a small physicochemical difference between alanine and threonine. This variant is present in population databases (rs772248868, ExAC 0.006%). This variant has not been reported in the literature in individuals affected with IFNGR2-related conditions. Algorithms developed to predict the effect of missense changes on protein structure and function output the following: SIFT: "Tolerated"; PolyPhen-2: "Not Available"; Align-GVGD: "Class C0". The threonine amino acid residue is found in multiple mammalian species, which suggests that this missense change does not adversely affect protein function. In summary, the available evidence is currently insufficient to determine the role of this variant in disease. Therefore, it has been classified as a Variant of Uncertain Significance.